The following is an entry in ClinVar:

NM_002160.4(TNC):c.5611A>G (p.Lys1871Glu)

Genes: TNC (tenascin C; minus strand), LOC126860740 (CDK7 strongly-dependent group 2 enhancer GRCh37_chr9:117797665-117798864; plus strand). Cytogenetic location: 9q33.1.
Variant type: single nucleotide variant.
Coding change: c.5611A>G on transcript NM_002160.4 (MANE Select); coding-DNA position 5611, A replaced by G.
Protein change: p.Lys1871Glu; replaces lysine 1871 with glutamic acid.
Molecular consequence: missense variant.
Genome position (GRCh38, 1-based): chr9:115,036,143, T>C on the plus strand (A>G on the coding strand, the complement: TNC is on the minus strand). VCF-style: chr9-115036143-T-C. GRCh37 (hg19) VCF-style: chr9-117798422-T-C.
Other names: short protein forms K1871E.
Identifiers: ClinVar variation 1065109 (VCV001065109.3), dbSNP rs1394493737, ClinGen allele CA374626758.

ClinVar aggregate classification (germline): Uncertain significance (1 of 4 stars; one submission).

Conditions:
Hearing impairment. Also called: Impaired Hearing. Identifiers: MedGen C1384666, MONDO:0005365, HP:0000365.

Allele frequency attached by ClinVar (database versions not stated): gnomAD exomes below 0.00001.
gnomAD v4.1: 1 of 1,614,186 alleles (0.000062%); highest among the groups gnomAD compares: Non-Finnish European, 0.000085%; no homozygotes.

Submission:

Department of Otolaryngology – Head & Neck Surgery, Cochlear Implant Center
Classification: Uncertain significance for Hearing impairment. Last evaluated: 2021-04-12. Review status: criteria provided, single submitter. Criteria: ClinGen HL ACMG Specifications v1. Collection method: clinical testing. Allele origin: germline. Affected: yes.
Comment: PM2_Moderate, BP4_Supporting